The following is an entry in ClinVar:

NM_006231.4(POLE):c.6073G>C (p.Val2025Leu)

Gene: POLE (DNA polymerase epsilon, catalytic subunit; minus strand). Cytogenetic location: 12q24.33.
Variant type: single nucleotide variant.
Coding change: c.6073G>C on transcript NM_006231.4 (MANE Select); coding-DNA position 6073, G replaced by C.
Protein change: p.Val2025Leu; replaces valine 2025 with leucine.
Molecular consequence: missense variant.
Genome position (GRCh38, 1-based): chr12:132,632,727, C>G on the plus strand (G>C on the coding strand, the complement: POLE is on the minus strand). VCF-style: chr12-132632727-C-G. GRCh37 (hg19) VCF-style: chr12-133209313-C-G.
Other names: c.6073G>C (NM_006231.2); short protein forms V2025L.
Identifiers: ClinVar variation 844988 (VCV000844988.10), dbSNP rs995579204, ClinGen allele CA387370620.
Genomic context (GRCh38, chr12:132,632,727, plus strand): 5'-GAAGGGCTCCGACCGCCCCCTCGGCCTCCTGGGAGAGCTGGCTGGCCCCCCTCCTCCTCA[C>G]GGGGGTGCTCCCTGGAGCACTGCGCCTCAGCCCGTCCTTCATGCAGTGGTACACGGCCAC-3'
Protein context (NP_006222.2, residues 2015-2035): LRRSAPGSTP[Val2025Leu]RRRGASQLSQ

ClinVar aggregate classification (germline): Uncertain significance. Review status: criteria provided, multiple submitters, no conflicts (2 of 4 stars). 3 submissions from 3 submitters: Uncertain significance (3). Last evaluated 2025-05-05.

Conditions:
Hereditary cancer-predisposing syndrome. Also called: Tumor predisposition; Hereditary neoplastic syndrome; Neoplastic Syndromes, Hereditary; Hereditary Cancer Syndrome. Identifiers: Orphanet 140162, MedGen C0027672, MeSH D009386, MONDO:0015356.

gnomAD v4.1: 2 of 1,613,620 alleles (0.00012%); highest among the groups gnomAD compares: Non-Finnish European, 0.00017%; no homozygotes.

Submissions (3):

Labcorp Genetics (formerly Invitae), Labcorp
Classification: Uncertain significance. Last evaluated: 2025-05-05. Review status: criteria provided, single submitter. Criteria: Invitae Variant Classification Sherloc (09022015). Collection method: clinical testing. Allele origin: germline.
Comment: This sequence change replaces valine, which is neutral and non-polar, with leucine, which is neutral and non-polar, at codon 2025 of the POLE protein (p.Val2025Leu). This variant is not present in population databases (gnomAD no frequency). This variant has not been reported in the literature in individuals affected with POLE-related conditions. ClinVar contains an entry for this variant (Variation ID: 844988). An algorithm developed to predict the effect of missense changes on protein structure and function outputs the following: PolyPhen-2: "Benign". The leucine amino acid residue is found in multiple mammalian species, which suggests that this missense change does not adversely affect protein function. In summary, the available evidence is currently insufficient to determine the role of this variant in disease. Therefore, it has been classified as a Variant of Uncertain Significance.

GeneDx
Classification: Uncertain significance. Last evaluated: 2024-09-11. Review status: criteria provided, single submitter. Criteria: GeneDx Variant Classification Process June 2021. Collection method: clinical testing. Allele origin: germline. Affected: yes.
Comment: Not observed at significant frequency in large population cohorts (gnomAD); In silico analysis indicates that this missense variant does not alter protein structure/function; Has not been previously published as pathogenic or benign to our knowledge

Ambry Genetics
Classification: Uncertain significance for Hereditary cancer-predisposing syndrome. Last evaluated: 2023-03-17. Review status: criteria provided, single submitter. Criteria: Ambry Variant Classification Scheme 2023. Collection method: clinical testing. Allele origin: germline.
Comment: The p.V2025L variant (also known as c.6073G>C), located in coding exon 44 of the POLE gene, results from a G to C substitution at nucleotide position 6073. The valine at codon 2025 is replaced by leucine, an amino acid with highly similar properties. This amino acid position is conserved. In addition, this alteration is predicted to be tolerated by in silico analysis. Since supporting evidence is limited at this time, the clinical significance of this alteration remains unclear.